The following is an entry in ClinVar:

NM_000329.3(RPE65):c.194C>G (p.Ala65Gly)

Gene: RPE65 (retinoid isomerohydrolase RPE65; minus strand). Cytogenetic location: 1p31.3.
Variant type: single nucleotide variant.
Coding change: c.194C>G on transcript NM_000329.3 (MANE Select); coding-DNA position 194, C replaced by G.
Protein change: p.Ala65Gly; replaces alanine 65 with glycine.
Molecular consequence: missense variant. On other transcripts: 5 prime UTR variant (1), intron variant (1).
Genome position (GRCh38, 1-based): chr1:68,446,761, G>C on the plus strand (C>G on the coding strand, the complement: RPE65 is on the minus strand). VCF-style: chr1-68446761-G-C. GRCh37 (hg19) VCF-style: chr1-68912444-G-C.
Other names: c.194C>G, p.Ala65Gly (NM_001406853.1, NM_001406859.1, NM_001406860.1); c.-83C>G (NM_001406857.1); c.-32+1863C>G (NM_001406856.1); short protein forms A65G.
Identifiers: ClinVar variation 4536487 (VCV004536487.1).

ClinVar aggregate classification (germline): Uncertain significance (1 of 4 stars; one submission).

Submission:

GeneDx
Classification: Uncertain significance. Last evaluated: 2025-06-02. Review status: criteria provided, single submitter. Criteria: GeneDx Variant Classification Process June 2021. Collection method: clinical testing. Allele origin: germline. Affected: yes.
Comment: Not observed at significant frequency in large population cohorts (gnomAD); In silico analysis supports that this missense variant has a deleterious effect on protein structure/function; Has not been previously published as pathogenic or benign to our knowledge